The following is an entry in ClinVar:

NM_004006.3(DMD):c.5697del (p.Lys1899fs)

Gene: DMD (dystrophin; minus strand). Cytogenetic location: Xp21.1.
Variant type: Deletion.
Coding change: c.5697del on transcript NM_004006.3 (MANE Select); coding-DNA position 5697, one base deleted (A; older notation c.5697delA).
Protein change: p.Lys1899fs; shifts the reading frame from lysine 1899.
Molecular consequence: frameshift variant.
Genome position (GRCh38, 1-based): chrX:32,343,176, T deleted on the plus strand (A on the coding strand, the reverse complement: DMD is on the minus strand); the first of 8 consecutive T bases (chrX:32,343,176-32,343,183); deleting any one gives the same sequence. VCF-style (leftmost placement, unchanged base first): chrX-32343175-AT-A. GRCh37 (hg19) VCF-style: chrX-32361292-AT-A.
Other names: NM_004006.3(DMD):c.5697del; p.Lys1899fs; c.5673del, p.Lys1891fs (NM_000109.4); c.5685del, p.Lys1895fs (NM_004009.3); c.5328del, p.Lys1776fs (NM_004010.3); c.1674del, p.Lys558fs (NM_004011.4); c.1665del, p.Lys555fs (NM_004012.4); c.5697delA (NM_004006.2); short protein forms K1891fs, K1895fs, K1776fs, K555fs, K1899fs, K558fs.
Identifiers: ClinVar variation 197412 (VCV000197412.14), dbSNP rs794727661, ClinGen allele CA275266.

ClinVar aggregate classification (germline): Pathogenic. Review status: criteria provided, multiple submitters, no conflicts (2 of 4 stars). 7 submissions from 7 submitters: Pathogenic (6). 1 of the submissions does not count toward it. Last evaluated 2025-05-22.

Conditions:
Duchenne and Becker muscular dystrophy. Also called: Duchenne / Becker Muscular Dystrophy. Identifiers: Orphanet 262, MedGen C3542021. Disease mechanism: loss of function.
DMD-related disorder. Also called: DMD-related condition.
Cardiomyopathy (CMYO). Also called: Cardiomyopathies. Identifiers: Orphanet 167848, MedGen C0878544, MONDO:0004994, HP:0001638. Inheritance: Various modes of inheritance.
Duchenne muscular dystrophy (DMD). Also called: MUSCULAR DYSTROPHY, PSEUDOHYPERTROPHIC PROGRESSIVE, DUCHENNE TYPE; Duchenne Muscular Dystrophy (DMD). Identifiers: Orphanet 98896, MedGen C0013264, MONDO:0010679, OMIM 310200.
Dystrophin deficiency.
Becker muscular dystrophy (BMD). Also called: Becker Muscular Dystrophy (BMD); MUSCULAR DYSTROPHY, PSEUDOHYPERTROPHIC PROGRESSIVE, BECKER TYPE. Identifiers: Orphanet 98895, MedGen C0917713, MONDO:0010311, OMIM 300376.

Submissions (7):

Labcorp Genetics (formerly Invitae), Labcorp
Classification: Pathogenic for Duchenne muscular dystrophy. Last evaluated: 2025-05-22. Review status: criteria provided, single submitter. Criteria: Invitae Variant Classification Sherloc (09022015). Collection method: clinical testing. Allele origin: germline.
Comment: This sequence change creates a premature translational stop signal (p.Lys1899Asnfs*2) in the DMD gene. It is expected to result in an absent or disrupted protein product. Loss-of-function variants in DMD are known to be pathogenic (PMID: 16770791, 25007885). This variant is not present in population databases (gnomAD no frequency). This premature translational stop signal has been observed in individual(s) with Duchenne muscular dystrophy (PMID: 19409785, 31727011). ClinVar contains an entry for this variant (Variation ID: 197412). Algorithms developed to predict the effect of sequence changes on RNA splicing suggest that this variant may disrupt the consensus splice site. For these reasons, this variant has been classified as Pathogenic.

Broad Center for Mendelian Genomics, Broad Institute of MIT and Harvard
Classification: Pathogenic for Duchenne and Becker muscular dystrophy. Last evaluated: 2023-05-02. Review status: criteria provided, single submitter. Criteria: ACMG Guidelines, 2015. Collection method: curation. Allele origin: germline. Inheritance: X-linked inheritance.
Comment: Trio exome analysis showed this variant to be de novo. The p.Lys1899AsnfsTer2 variant in DMD has been previously reported in at least 6 unrelated individuals with DMD-associated muscular dystrophy (PMID: 28116794, PMID: 29973226, PMID: 35218518, PMID: 19409785, PMID: 31727011, ClinVar SCV002521434.1). The number of reported affected individuals with this variant is greater than expected compared to non-affected individuals with this variant. This variant has also been reported in ClinVar (Variation ID: 197412) and has been interpreted as pathogenic by Invitae, GeneDx, Eurofins NTD LLC, 3Billion, and Natera, Inc. This variant was absent from large population studies. This variant is predicted to cause a frameshift, which alters the protein‚Äôs amino acid sequence beginning at position 1899 and leads to a premature termination codon 2 amino acids downstream. This alteration is then predicted to lead to a truncated or absent protein. Loss of function of the DMD gene is an established disease mechanism in X-linked DMD-associated muscular dystrophy. In summary, this variant meets criteria to be classified as pathogenic for X-linked DMD-associated muscular dystrophy. ACMG/AMP Criteria applied: PVS1, PS4, PM2_Supporting (Richards 2015).

3billion
Classification: Pathogenic for Duchenne muscular dystrophy. Last evaluated: 2022-05-22. Review status: criteria provided, single submitter. Criteria: ACMG Guidelines, 2015. Collection method: clinical testing. Allele origin: germline. Affected: yes. Observed: 1 hemizygote.
Comment: The variant is not observed in the gnomAD v2.1.1 dataset. Frameshift: predicted to result in a loss or disruption of normal protein function through nonsense-mediated decay (NMD) or protein truncation. Multiple pathogenic variants are reported downstream of the variant. The variant has been reported at least twice as pathogenic with clinical assertions and evidence for the classification (ClinVar ID: VCV000197412 / PMID: 19409785). Therefore, this variant is classified as pathogenic according to the recommendation of ACMG/AMP guideline.

Blueprint Genetics
Classification: Pathogenic for DMD-related disorders. Last evaluated: 2018-09-27. Review status: criteria provided, single submitter. Criteria: ACMG Guidelines, 2015. Collection method: clinical testing. Allele origin: germline. Affected: yes. Observed: 1 variant allele.

GeneDx
Classification: Pathogenic. Last evaluated: 2017-08-14. Review status: criteria provided, single submitter. Criteria: GeneDx Variant Classification (06012015). Collection method: clinical testing. Allele origin: germline. Affected: yes.
Comment: The c.5697delA pathogenic variant has been reported previously in association with dystrophinopathy (Almomani et al., 2009). The variant causes a frameshift starting with codon Lysine 1899, changes this amino acid to a Asparagine residue and creates a premature Stop codon at position 2 of the new reading frame, denoted p.Lys1899AsnfsX2. This pathogenic variant is predicted to cause loss of normal protein function either through protein truncation or nonsense-mediated mRNA decay. Furthermore, the c.5697delA variant is not observed in large population cohorts (Lek et al., 2016; 1000 Genomes Consortium et al., 2015; Exome Variant Server).

Eurofins Ntd Llc (ga)
Classification: Pathogenic. Last evaluated: 2014-06-09. Review status: criteria provided, single submitter. Criteria: EGL Classification Definitions 2015. Collection method: clinical testing. Allele origin: germline. Observed: 1 variant allele, 1 hemizygote.

Natera, Inc.
Classification: Pathogenic for Becker muscular dystrophy; Cardiomyopathy; Duchenne muscular dystrophy; Dystrophin deficiency. Last evaluated: 2021-06-11. Review status: no assertion criteria provided. Collection method: clinical testing. Allele origin: germline. Not counted in ClinVar's aggregate classification.

Literature cited by the submitters: PubMed 16770791 (cited by Labcorp Genetics (formerly Invitae), Labcorp); PubMed 25007885 (cited by Labcorp Genetics (formerly Invitae), Labcorp); PubMed 19409785 (cited by Labcorp Genetics (formerly Invitae), Labcorp and 3billion); PubMed 31727011 (cited by Labcorp Genetics (formerly Invitae), Labcorp).